The following is an entry in ClinVar:

ClinVar aggregate classification (germline): Pathogenic/Likely pathogenic. Review status: criteria provided, multiple submitters, no conflicts (2 of 4 stars). 3 submissions from 3 submitters: Pathogenic (2); Likely pathogenic (1). Last evaluated 2024-10-15.

Conditions:
Chédiak-Higashi syndrome (CHS). Also called: Chediak-Higashi Syndrome. Identifiers: Orphanet 167, MedGen C0007965, MONDO:0008963, OMIM 214500.

Allele frequency attached by ClinVar (database versions not stated): TOPMed below 0.00001; 1000 Genomes Project 30x 0.00016; 1000 Genomes Project 0.00040; ExAC 0.00006; gnomAD 0.00001.
gnomAD v4.1: 6 of 1,579,478 alleles (0.00038%); highest among the groups gnomAD compares: African/African-American, 0.0013%; no homozygotes.

Submissions (3):

Women's Health and Genetics/Laboratory Corporation of America, LabCorp
Classification: Pathogenic for Chédiak-Higashi syndrome. Last evaluated: 2024-10-15. Review status: criteria provided, single submitter. Criteria: LabCorp Variant Classification Summary - May 2015. Collection method: clinical testing. Allele origin: germline.
Comment: Variant summary: LYST c.9838C>T (p.Arg3280X) results in a premature termination codon, predicted to cause a truncation of the encoded protein or absence of the protein due to nonsense mediated decay, which are commonly known mechanisms for disease. The frequency data for this variant in gnomAD is considered unreliable, as metrics indicate poor data quality at this position. To our knowledge, no occurrence of c.9838C>T in individuals affected with Chediak-Higashi Syndrome and no experimental evidence demonstrating its impact on protein function have been reported. ClinVar contains an entry for this variant (Variation ID: 1416537). Based on the evidence outlined above, the variant was classified as pathogenic.

Fulgent Genetics
Classification: Likely pathogenic for Chédiak-Higashi syndrome. Last evaluated: 2024-01-26. Review status: criteria provided, single submitter. Criteria: ACMG Guidelines, 2015. Collection method: clinical testing. Allele origin: germline.

Labcorp Genetics (formerly Invitae), Labcorp
Classification: Pathogenic for Chédiak-Higashi syndrome. Last evaluated: 2024-01-25. Review status: criteria provided, single submitter. Criteria: Invitae Variant Classification Sherloc (09022015). Collection method: clinical testing. Allele origin: germline.
Comment: This sequence change creates a premature translational stop signal (p.Arg3280*) in the LYST gene. It is expected to result in an absent or disrupted protein product. Loss-of-function variants in LYST are known to be pathogenic (PMID: 9215679, 11857544). The frequency data for this variant in the population databases is considered unreliable, as metrics indicate poor data quality at this position in the gnomAD database. This variant has not been reported in the literature in individuals affected with LYST-related conditions. ClinVar contains an entry for this variant (Variation ID: 1416537). For these reasons, this variant has been classified as Pathogenic.

Literature cited by the submitters: PubMed 9215679 (cited by Labcorp Genetics (formerly Invitae), Labcorp); PubMed 11857544 (cited by Labcorp Genetics (formerly Invitae), Labcorp).

NM_000081.4(LYST):c.9838C>T (p.Arg3280Ter)

Gene: LYST (lysosomal trafficking regulator; minus strand). Cytogenetic location: 1q42.3.
Variant type: single nucleotide variant.
Coding change: c.9838C>T on transcript NM_000081.4 (MANE Select); coding-DNA position 9838, C replaced by T.
Protein change: p.Arg3280Ter; replaces arginine 3280 with a stop codon.
Molecular consequence: nonsense.
Genome position (GRCh38, 1-based): chr1:235,712,144, G>A on the plus strand (C>T on the coding strand, the complement: LYST is on the minus strand). VCF-style: chr1-235712144-G-A. GRCh37 (hg19) VCF-style: chr1-235875444-G-A.
Other names: c.9838C>T, p.Arg3280Ter (NM_001301365.1); short protein forms R3280*.
Identifiers: ClinVar variation 1416537 (VCV001416537.8), dbSNP rs201694319, ClinGen allele CA1465486.